The following is an entry in ClinVar:

NM_001371333.1(DIABLO):c.593A>G (p.His198Arg)

Genes: B3GNT4 (UDP-GlcNAc:betaGal beta-1,3-N-acetylglucosaminyltransferase 4; plus strand), DIABLO (diablo IAP-binding mitochondrial protein; minus strand). Cytogenetic location: 12q24.31.
Variant type: single nucleotide variant.
Coding change: c.593A>G on transcript NM_001371333.1 (MANE Select); coding-DNA position 593, A replaced by G.
Protein change: p.His198Arg; replaces histidine 198 with arginine.
Molecular consequence: missense variant. On other transcripts: 3 prime UTR variant (2).
Genome position (GRCh38, 1-based): chr12:122,208,508, T>C on the plus strand (A>G on the coding strand, the complement: DIABLO is on the minus strand). VCF-style: chr12-122208508-T-C. GRCh37 (hg19) VCF-style: chr12-122693055-T-C.
Other names: c.593A>G (NM_019887.4); c.302A>G, p.His101Arg (NM_001278302.1); c.374A>G, p.His125Arg (NM_001278303.1); c.434A>G, p.His145Arg (NM_001278304.2, NM_138930.3); c.461A>G, p.His154Arg (NM_001278342.1); c.593A>G, p.His198Arg (NM_019887.6); c.*1120T>C (NM_001330492.2, NM_030765.4); short protein forms H101R, H145R, H125R, H154R, H198R.
Identifiers: ClinVar variation 2186725 (VCV002186725.5), dbSNP rs764647908, ClinGen allele CA6843787.

ClinVar aggregate classification (germline): Conflicting classifications of pathogenicity. Review status: criteria provided, conflicting classifications (1 of 4 stars). 2 submissions from 2 submitters: Uncertain significance (1); Likely benign (1). Last evaluated 2024-08-26.

Allele frequency attached by ClinVar (database versions not stated): ExAC 0.00004; gnomAD 0.00006; TOPMed 0.00008; gnomAD exomes 0.00011.
gnomAD v4.1: 167 of 1,614,026 alleles (0.01%); highest among the groups gnomAD compares: Non-Finnish European, 0.014%; 1 homozygote.

Submissions (2):

Ambry Genetics
Classification: Likely benign. Last evaluated: 2024-08-26. Review status: criteria provided, single submitter. Criteria: Ambry Variant Classification Scheme 2023. Collection method: clinical testing. Allele origin: germline.

Labcorp Genetics (formerly Invitae), Labcorp
Classification: Uncertain significance. Last evaluated: 2024-04-25. Review status: criteria provided, single submitter. Criteria: Invitae Variant Classification Sherloc (09022015). Collection method: clinical testing. Allele origin: germline.
Comment: This sequence change replaces histidine, which is basic and polar, with arginine, which is basic and polar, at codon 198 of the DIABLO protein (p.His198Arg). This variant is present in population databases (rs764647908, gnomAD 0.008%). This variant has not been reported in the literature in individuals affected with DIABLO-related conditions. ClinVar contains an entry for this variant (Variation ID: 2186725). Algorithms developed to predict the effect of missense changes on protein structure and function output the following: SIFT: "Not Available"; PolyPhen-2: "Benign"; Align-GVGD: "Not Available". The arginine amino acid residue is found in multiple mammalian species, which suggests that this missense change does not adversely affect protein function. In summary, the available evidence is currently insufficient to determine the role of this variant in disease. Therefore, it has been classified as a Variant of Uncertain Significance.